The following is an entry in ClinVar:

ClinVar aggregate classification (germline): Uncertain significance (1 of 4 stars; one submission).

Conditions:
Multiple congenital exostosis (EXT). Also called: Multiple osteochondromas; MULTIPLE CARTILAGINOUS EXOSTOSES; Hereditary multiple exostoses; Hereditary multiple exostosis; Hereditary multiple osteochondromas; Multiple exostoses. Identifiers: Orphanet 321, MedGen C0015306, MONDO:0005508, HP:0002762.

gnomAD v4.1: 1 of 1,614,084 alleles (0.000062%); highest among the groups gnomAD compares: African/African-American, 0.0013%; no homozygotes.

Submission:

Labcorp Genetics (formerly Invitae), Labcorp
Classification: Uncertain significance for Multiple congenital exostosis. Last evaluated: 2020-06-21. Review status: criteria provided, single submitter. Criteria: Invitae Variant Classification Sherloc (09022015). Collection method: clinical testing. Allele origin: germline.
Comment: This sequence change replaces arginine with threonine at codon 405 of the EXT1 protein (p.Arg405Thr). The arginine residue is highly conserved and there is a moderate physicochemical difference between arginine and threonine. This variant is not present in population databases (ExAC no frequency). This variant has not been reported in the literature in individuals with EXT1-related conditions. Algorithms developed to predict the effect of missense changes on protein structure and function (SIFT, PolyPhen-2, Align-GVGD) all suggest that this variant is likely to be disruptive, but these predictions have not been confirmed by published functional studies and their clinical significance is uncertain. In summary, the available evidence is currently insufficient to determine the role of this variant in disease. Therefore, it has been classified as a Variant of Uncertain Significance.

NM_000127.3(EXT1):c.1214G>C (p.Arg405Thr)

Gene: EXT1 (exostosin glycosyltransferase 1; minus strand). Cytogenetic location: 8q24.11.
Variant type: single nucleotide variant.
Coding change: c.1214G>C on transcript NM_000127.3 (MANE Select); coding-DNA position 1214, G replaced by C.
Protein change: p.Arg405Thr; replaces arginine 405 with threonine.
Molecular consequence: missense variant.
Genome position (GRCh38, 1-based): chr8:117,830,300, C>G on the plus strand (G>C on the coding strand, the complement: EXT1 is on the minus strand). VCF-style: chr8-117830300-C-G. GRCh37 (hg19) VCF-style: chr8-118842539-C-G.
Other names: short protein forms R405T.
Identifiers: ClinVar variation 1016863 (VCV001016863.8), dbSNP rs1812077443, ClinGen allele CA371890472.
Genomic context (GRCh38, chr8:117,830,300, plus strand): 5'-GTTAATACAATCTTCTCAACTGAAGAAAAATAAGCCTCCCACAAGAATTGTGTCTGCTGT[C>G]TAAGTGCTAGGATTTTATCCTGATGAATAGACCTGATTGTAGAAGGAATCTGTAACACAA-3'
Protein context (NP_000118.2, residues 395-415): SIHQDKILAL[Arg405Thr]QQTQFLWEAY